The following is an entry in ClinVar:

NM_004415.4(DSP):c.7610G>A (p.Gly2537Asp)

Gene: DSP (desmoplakin; plus strand). Cytogenetic location: 6p24.3.
Variant type: single nucleotide variant.
Coding change: c.7610G>A on transcript NM_004415.4 (MANE Select); coding-DNA position 7610, G replaced by A.
Protein change: p.Gly2537Asp; replaces glycine 2537 with aspartic acid.
Molecular consequence: missense variant.
Genome position (GRCh38, 1-based): chr6:7,584,872, G>A. VCF-style: chr6-7584872-G-A. GRCh37 (hg19) VCF-style: chr6-7585105-G-A.
Other names: c.5813G>A, p.Gly1938Asp (NM_001008844.3); c.6281G>A, p.Gly2094Asp (NM_001319034.2); short protein forms G1938D, G2094D, G2537D.
Identifiers: ClinVar variation 1717661 (VCV001717661.3), dbSNP rs2533946984, ClinGen allele CA362693390.

ClinVar aggregate classification (germline): Uncertain significance (1 of 4 stars; one submission).

Conditions:
Arrhythmogenic cardiomyopathy with wooly hair and keratoderma. Also called: Carvajal syndrome; Dilated cardiomyopathy with woolly hair and keratoderma; Arrhythmogenic cardiomyopathy with woolly hair and keratoderma; PALMOPLANTAR KERATODERMA WITH LEFT VENTRICULAR CARDIOMYOPATHY AND WOOLLY HAIR. Identifiers: Orphanet 65282, MedGen C1854063, MONDO:0011581, OMIM 605676.
Arrhythmogenic right ventricular dysplasia 8 (ARVD8). Also called: ARRHYTHMOGENIC RIGHT VENTRICULAR DYSPLASIA, FAMILIAL, 8; ARRHYTHMOGENIC RIGHT VENTRICULAR CARDIOMYOPATHY 8; Arrhythmogenic Right Ventricular Dysplasia/Cardiomyopathy 8. Identifiers: MedGen C1843896, MONDO:0011831, OMIM 607450.

Submission:

Labcorp Genetics (formerly Invitae), Labcorp
Classification: Uncertain significance for Arrhythmogenic cardiomyopathy with wooly hair and keratoderma; Arrhythmogenic right ventricular dysplasia 8. Last evaluated: 2022-08-22. Review status: criteria provided, single submitter. Criteria: Invitae Variant Classification Sherloc (09022015). Collection method: clinical testing. Allele origin: germline.
Comment: This sequence change replaces glycine, which is neutral and non-polar, with aspartic acid, which is acidic and polar, at codon 2537 of the DSP protein (p.Gly2537Asp). This variant is not present in population databases (gnomAD no frequency). This variant has not been reported in the literature in individuals affected with DSP-related conditions. Algorithms developed to predict the effect of missense changes on protein structure and function are either unavailable or do not agree on the potential impact of this missense change (SIFT: "Tolerated"; PolyPhen-2: "Probably Damaging"; Align-GVGD: "Class C0"). In summary, the available evidence is currently insufficient to determine the role of this variant in disease. Therefore, it has been classified as a Variant of Uncertain Significance.